The following is an entry in ClinVar:

NM_000458.4(HNF1B):c.329T>G (p.Val110Gly)

Gene: HNF1B (HNF1 homeobox B; minus strand). Cytogenetic location: 17q12.
Variant type: single nucleotide variant.
Coding change: c.329T>G on transcript NM_000458.4 (MANE Select); coding-DNA position 329, T replaced by G.
Protein change: p.Val110Gly; replaces valine 110 with glycine.
Molecular consequence: missense variant.
Genome position (GRCh38, 1-based): chr17:37,744,556, A>C on the plus strand (T>G on the coding strand, the complement: HNF1B is on the minus strand). VCF-style: chr17-37744556-A-C. GRCh37 (hg19) VCF-style: chr17-36104547-A-C.
Other names: c.329T>G, p.Val110Gly (NM_001165923.4, NM_001304286.2); short protein forms V110G.
Identifiers: ClinVar variation 635716 (VCV000635716.1), dbSNP rs894213416, ClinGen allele CA290293036.

ClinVar aggregate classification (germline): Likely pathogenic (1 of 4 stars; one submission).

Conditions:
Renal cysts and diabetes syndrome (RCAD). Also called: Familial hypoplastic, glomerulocystic kidney; MATURITY-ONSET DIABETES OF THE YOUNG, TYPE 5. Identifiers: Orphanet 93111, MedGen C0431693, MONDO:0007669, OMIM 137920.

Submission:

Institute of Human Genetics, FAU Erlangen, Friedrich-Alexander-Universität Erlangen-Nürnberg
Classification: Likely pathogenic for Renal cysts and diabetes syndrome. Last evaluated: 2019-07-06. Review status: criteria provided, single submitter. Criteria: ACMG Guidelines, 2015. Collection method: literature only. Allele origin: germline. Affected: yes.
Comment: This variant and it's classification has been reported by Vasileiou et al. 2019; DOI:10.1101/576918. The variants has previously been reported in PMID:25700310; PMID:15930087; PMID:25536396 as "c.329T>G, c.523T>G; c.329T>G" with clinical significance Pathogenic. It has been re-classified using InterVar and manual curation as Likely pathogenic based on PM1 PM2 PP3 PP5.

Literature cited by the submitters: PubMed 25700310; PubMed 15930087; PubMed 25536396; DOI 10.1101/576918.